The following is an entry in ClinVar:

ClinVar aggregate classification (germline): Pathogenic (1 of 4 stars; one submission).

Submission:

Labcorp Genetics (formerly Invitae), Labcorp
Classification: Pathogenic. Last evaluated: 2021-10-19. Review status: criteria provided, single submitter. Criteria: Invitae Variant Classification Sherloc (09022015). Collection method: clinical testing. Allele origin: germline.
Comment: For these reasons, this variant has been classified as Pathogenic. A similar copy number variant has been observed in individual(s) with hypophosphatemia (PMID: 30682568). This variant is a gross deletion of the genomic region encompassing exon(s) 4-11 of the PHEX gene. This deletion is out-of-frame, and is expected to create a premature termination codon and result in an absent or disrupted protein product. Loss-of-function variants in PHEX are known to be pathogenic (PMID: 9097956, 9106524, 19219621).

Literature cited by the submitters: PubMed 30682568; PubMed 9097956; PubMed 9106524; PubMed 19219621.

NC_000023.10:g.(?_22094486)_(22132724_?)del

Gene: PHEX (phosphate regulating endopeptidase X-linked; plus strand). Cytogenetic location: Xp22.11.
Variant type: Deletion.
Identifiers: ClinVar variation 2423107 (VCV002423107.4).